The following is an entry in ClinVar:

ClinVar aggregate classification (germline): Uncertain significance (1 of 4 stars; one submission).

Conditions:
Charcot-Marie-Tooth disease type 2E (CMT2E). Also called: CHARCOT-MARIE-TOOTH NEUROPATHY, TYPE 2E; CHARCOT-MARIE-TOOTH DISEASE, AXONAL, TYPE 2E. Identifiers: Orphanet 99939, MedGen C1843225, MONDO:0011894, OMIM 607684.

Submission:

Labcorp Genetics (formerly Invitae), Labcorp
Classification: Uncertain significance for Charcot-Marie-Tooth disease type 2E. Last evaluated: 2022-08-21. Review status: criteria provided, single submitter. Criteria: Invitae Variant Classification Sherloc (09022015). Collection method: clinical testing. Allele origin: germline.
Comment: This variant has not been reported in the literature in individuals affected with NEFL-related conditions. In summary, the available evidence is currently insufficient to determine the role of this variant in disease. Therefore, it has been classified as a Variant of Uncertain Significance. Experimental studies and prediction algorithms are not available or were not evaluated, and the functional significance of this variant is currently unknown. This variant is not present in population databases (gnomAD no frequency). This sequence change replaces alanine, which is neutral and non-polar, with valine, which is neutral and non-polar, at codon 45 of the NEFL protein (p.Ala45Val).

NM_006158.5(NEFL):c.134C>T (p.Ala45Val)

Gene: NEFL (neurofilament light chain; minus strand). Cytogenetic location: 8p21.2.
Variant type: single nucleotide variant.
Coding change: c.134C>T on transcript NM_006158.5 (MANE Select); coding-DNA position 134, C replaced by T.
Protein change: p.Ala45Val; replaces alanine 45 with valine.
Molecular consequence: missense variant.
Genome position (GRCh38, 1-based): chr8:24,956,382, G>A on the plus strand (C>T on the coding strand, the complement: NEFL is on the minus strand). VCF-style: chr8-24956382-G-A. GRCh37 (hg19) VCF-style: chr8-24813896-G-A.
Other names: short protein forms A45V.
Identifiers: ClinVar variation 1717352 (VCV001717352.5), dbSNP rs2486888357, ClinGen allele CA370623917.